The following is an entry in ClinVar:

NM_206933.4(USH2A):c.2468_2469insTATAA (p.Arg824fs)

Genes: USH2A (usherin; minus strand), LOC122152296 (Sharpr-MPRA regulatory region 8762; plus strand). Cytogenetic location: 1q41.
Variant type: Insertion.
Coding change: c.2468_2469insTATAA on transcript NM_206933.4 (MANE Select); coding-DNA positions 2468 to 2469, TATAA inserted.
Protein change: p.Arg824fs; shifts the reading frame from arginine 824.
Molecular consequence: frameshift variant.
Genome position: GRCh38 VCF-style: chr1-216246925-C-CTTATA. GRCh37 (hg19) VCF-style: chr1-216420267-C-CTTATA.
Other names: c.2468_2469insTATAA, p.Arg824fs (NM_007123.6); short protein forms R824fs.
Identifiers: ClinVar variation 1724100 (VCV001724100.2), dbSNP rs2528162648, ClinGen allele CA2580062130.

ClinVar aggregate classification (germline): Likely pathogenic (1 of 4 stars; one submission).

Conditions:
Usher syndrome type 2A. Also called: RETINAL DISEASE IN USHER SYNDROME TYPE IIA, MODIFIER OF; USHER SYNDROME, TYPE IIA. Identifiers: Orphanet 231178, Orphanet 886, MedGen C1848634, MONDO:0010169, OMIM 276901.

Submission:

Myriad Genetics, Inc.
Classification: Likely pathogenic for Usher syndrome type 2A. Last evaluated: 2022-01-25. Review status: criteria provided, single submitter. Criteria: Myriad Women's Health Autosomal Recessive and X-Linked Classification Criteria (2021). Collection method: clinical testing. Allele origin: unknown.
Comment: NM_206933.2(USH2A):c.2468_2469ins5(R824Ifs*34) is expected to be pathogenic in the context of USH2A-related disorders. This variant is predicted to lead to an abnormal or absent protein product due to the creation of a premature termination codon in USH2A, a gene where loss-of-function variants are known to be pathogenic. Please note: this variant was assessed in the context of healthy population screening.